The following is an entry in ClinVar:

NM_016239.4(MYO15A):c.1693G>A (p.Val565Met)

Gene: MYO15A (myosin XVA; plus strand). Cytogenetic location: 17p11.2.
Variant type: single nucleotide variant.
Coding change: c.1693G>A on transcript NM_016239.4 (MANE Select); coding-DNA position 1693, G replaced by A.
Protein change: p.Val565Met; replaces valine 565 with methionine.
Molecular consequence: missense variant.
Genome position (GRCh38, 1-based): chr17:18,120,493, G>A. VCF-style: chr17-18120493-G-A. GRCh37 (hg19) VCF-style: chr17-18023807-G-A.
Other names: short protein forms V565M.
Identifiers: ClinVar variation 2521104 (VCV002521104.6), dbSNP rs767127587, ClinGen allele CA8423160.
Genomic context (GRCh38, chr17:18,120,493, plus strand): 5'-GCGCTGTCGGCCTTCGGCGCCCACCGGGGCCTGGGCTTCGGCCCTGAGTTTGGCCGCCCC[G>A]TGCCTCGCCCTGCCACCTCGCTTGCGCGGTTCCTCAAGAAGACGCTGTCGGAGAAGAAGC-3'
Protein context (NP_057323.3, residues 555-575): LGFGPEFGRP[Val565Met]PRPATSLARF

ClinVar aggregate classification (germline): Conflicting classifications of pathogenicity. Review status: criteria provided, conflicting classifications (1 of 4 stars). 3 submissions from 3 submitters: Uncertain significance (2); Likely benign (1). Last evaluated 2025-07-02.

Conditions:
Inborn genetic diseases. Identifiers: MedGen C0950123, MeSH D030342.

Allele frequency attached by ClinVar (database versions not stated): gnomAD exomes 0.00013; 1000 Genomes Project 30x 0.00016; ExAC 0.00032; TOPMed below 0.00001; gnomAD 0.00004.
gnomAD v4.1: 184 of 1,574,692 alleles (0.012%); highest among the groups gnomAD compares: Middle Eastern, 0.088%; no homozygotes.

Submissions (3):

Labcorp Genetics (formerly Invitae), Labcorp
Classification: Likely benign. Last evaluated: 2025-07-02. Review status: criteria provided, single submitter. Criteria: Invitae Variant Classification Sherloc (09022015). Collection method: clinical testing. Allele origin: germline.

GeneDx
Classification: Uncertain significance. Last evaluated: 2024-08-01. Review status: criteria provided, single submitter. Criteria: GeneDx Variant Classification Process June 2021. Collection method: clinical testing. Allele origin: germline. Affected: yes.
Comment: In silico analysis indicates that this missense variant does not alter protein structure/function; Has not been previously published as pathogenic or benign to our knowledge

Ambry Genetics
Classification: Uncertain significance for Inborn genetic diseases. Last evaluated: 2023-06-02. Review status: criteria provided, single submitter. Criteria: Ambry Variant Classification Scheme 2023. Collection method: clinical testing. Allele origin: germline.